The following is an entry in ClinVar:

ClinVar aggregate classification (germline): Pathogenic (1 of 4 stars; one submission).

Conditions:
Lymphoproliferative syndrome 2 (LPFS2). Also called: Combined immunodeficiency due to CD27 deficiency; CD27 DEFICIENCY. Identifiers: Orphanet 238505, MedGen C3554540, MONDO:0014054, OMIM 615122.

Submission:

Labcorp Genetics (formerly Invitae), Labcorp
Classification: Pathogenic for Lymphoproliferative syndrome 2. Last evaluated: 2024-12-05. Review status: criteria provided, single submitter. Criteria: Invitae Variant Classification Sherloc (09022015). Collection method: clinical testing. Allele origin: germline.
Comment: This sequence change creates a premature translational stop signal (p.Gln141*) in the CD27 gene. It is expected to result in an absent or disrupted protein product. Loss-of-function variants in CD27 are known to be pathogenic (PMID: 25843314). This variant is not present in population databases (gnomAD no frequency). This variant has not been reported in the literature in individuals affected with CD27-related conditions. For these reasons, this variant has been classified as Pathogenic.

Literature cited by the submitters: PubMed 25843314.

NM_001242.5(CD27):c.421C>T (p.Gln141Ter)

Genes: CD27 (CD27 molecule; plus strand), CD27-AS1 (CD27 antisense RNA 1; minus strand). Cytogenetic location: 12p13.31.
Variant type: single nucleotide variant.
Coding change: c.421C>T on transcript NM_001242.5 (MANE Select); coding-DNA position 421, C replaced by T.
Protein change: p.Gln141Ter; replaces glutamine 141 with a stop codon.
Molecular consequence: nonsense. On other transcripts: 5 prime UTR variant (3), non-coding transcript variant (4), intron variant (1).
Genome position (GRCh38, 1-based): chr12:6,450,325, C>T. VCF-style: chr12-6450325-C-T. GRCh37 (hg19) VCF-style: chr12-6559491-C-T.
Other names: c.514C>T, p.Gln172Ter (NM_001413263.1); c.394C>T, p.Gln132Ter (NM_001413264.1); c.-30C>T (NM_001413266.1, NM_001413267.1, NM_001413268.1); c.269-216C>T (NM_001413265.1); short protein forms Q132*, Q141*, Q172*.
Identifiers: ClinVar variation 3696331 (VCV003696331.2).